The following is an entry in ClinVar:

ClinVar aggregate classification (germline): Pathogenic. Review status: criteria provided, multiple submitters, no conflicts (2 of 4 stars). 9 submissions from 9 submitters: Pathogenic (7). 2 of the submissions do not count toward it. Last evaluated 2025-11-17.

Conditions:
SOD1-related disorder. Also called: SOD1-related condition.
Amyotrophic lateral sclerosis type 1 (ALS1). Also called: AMYOTROPHIC LATERAL SCLEROSIS 1, FAMILIAL. Identifiers: Orphanet 803, MedGen C1862939, MONDO:0007103, OMIM 105400.
Limb muscle weakness. Identifiers: MedGen C0587246, HP:0003690.

Submissions (9):

Clinical Genetics Laboratory, Skane University Hospital Lund
Classification: Pathogenic for Limb muscle weakness. Last evaluated: 2025-11-17. Review status: criteria provided, single submitter. Criteria: ACMG Guidelines, 2015. Collection method: clinical testing. Allele origin: germline. Affected: yes.
Comment: ACMG criteria used: PS4, PM2, PP1_strong, PP3 and PP4.

Clinical Omics and Informatics (COIN) Unit, Neuroscience Institute, University Of Cape Town
Classification: Pathogenic for Amyotrophic lateral sclerosis type 1. Last evaluated: 2025-05-13. Review status: criteria provided, single submitter. Criteria: ACMG Guidelines, 2015. Collection method: research. Allele origin: germline. Inheritance: Autosomal dominant inheritance. Affected: yes. Observed: 1 variant allele, 1 heterozygote.
Comment: Variant is absent from gnomAD v4 (coverage >20X confirmed) and the AGVD database. PP3_Strong: Revel score is 0.96. PM1 Met: Variant is located in a critical and well-established functional domain. Residue is adjacent to the active site (Arg143) consistent with other pathogenic SOD1 variants (PMID:7496169). PM5 Met: Pathogenic missense variants reported at same amino acid (PMID: 7496169, 23062701). PS3_Supporting: Study demonstrates that p.Leu145Ser shares the toxic conformational property seen in pathogenic SOD1 variants, indicating a damaging effect on the protein (PMID:23280792). PS4_Met: ≥10 unrelated probands with consistent phenotype for disorder (VCV000014768.33, PMID:23062701;9029070;7496169;27978769).

Labcorp Genetics (formerly Invitae), Labcorp
Classification: Pathogenic for Amyotrophic lateral sclerosis type 1. Last evaluated: 2025-01-15. Review status: criteria provided, single submitter. Criteria: Invitae Variant Classification Sherloc (09022015). Collection method: clinical testing. Allele origin: germline.
Comment: This sequence change replaces leucine, which is neutral and non-polar, with serine, which is neutral and polar, at codon 145 of the SOD1 protein (p.Leu145Ser). This variant is not present in population databases (gnomAD no frequency). This missense change has been observed in individuals with autosomal dominant amyotrophic lateral sclerosis (PMID: 7496169, 9029070, 23062701, 27978769). ClinVar contains an entry for this variant (Variation ID: 14768). Invitae Evidence Modeling of protein sequence and biophysical properties (such as structural, functional, and spatial information, amino acid conservation, physicochemical variation, residue mobility, and thermodynamic stability) indicates that this missense variant is expected to disrupt SOD1 protein function with a positive predictive value of 95%. Experimental studies have shown that this missense change affects SOD1 function (PMID: 19483195, 23280792). For these reasons, this variant has been classified as Pathogenic.

CeGaT Center for Human Genetics Tuebingen
Classification: Pathogenic. Last evaluated: 2024-06-01. Review status: criteria provided, single submitter. Criteria: CeGaT Center For Human Genetics Tuebingen Variant Classification Criteria Version 2. Collection method: clinical testing. Allele origin: germline. Affected: yes. Observed: 1 variant allele.
Comment: SOD1: PM1, PM2, PM5, PS4:Moderate, PP2, PS3:Supporting

Kariminejad - Najmabadi Pathology & Genetics Center
Classification: Pathogenic for Amyotrophic lateral sclerosis type 1. Last evaluated: 2024-05-14. Review status: criteria provided, single submitter. Criteria: ACMG Guidelines, 2015. Collection method: clinical testing. Allele origin: germline. Inheritance: Autosomal dominant inheritance. Affected: yes.
Comment: PP2,PP3(Moderate),PM1,PS4,PS3(Supporting),PM5

Fulgent Genetics
Classification: Pathogenic for Amyotrophic lateral sclerosis type 1. Last evaluated: 2018-10-31. Review status: criteria provided, single submitter. Criteria: ACMG Guidelines, 2015. Collection method: clinical testing. Allele origin: unknown.

Athena Diagnostics
Classification: Pathogenic. Last evaluated: 2016-05-03. Review status: criteria provided, single submitter. Criteria: Athena Diagnostics Criteria. Collection method: clinical testing. Allele origin: germline.

PreventionGenetics, part of Exact Sciences
Classification: Pathogenic for SOD1-related condition. Last evaluated: 2024-03-20. Review status: no assertion criteria provided. Collection method: clinical testing. Allele origin: germline. Not counted in ClinVar's aggregate classification.
Comment: The SOD1 c.434T>C variant is predicted to result in the amino acid substitution p.Leu145Ser. This variant, previously referred to as p.Leu144Ser using legacy nomenclature, has been reported to be causative for amyotrophic lateral sclerosis (ALS, Sapp et al. 1995. PubMed ID: 7496169; Alavi et al. 2013. PubMed ID: 23062701; Chadi et al. 2017 PubMed ID: 27978769; Cudkowicz et al. 1997. PubMed ID: 9029070). This variant has not been reported in a large population database, indicating this variant is rare. This variant has been consistently classified as pathogenic in ClinVar. This variant is interpreted as pathogenic.

OMIM
Classification: Pathogenic for AMYOTROPHIC LATERAL SCLEROSIS 1. Last evaluated: 1995-09-01. Review status: no assertion criteria provided. Collection method: literature only. Allele origin: germline. Not counted in ClinVar's aggregate classification.

Literature cited by the submitters: PubMed 7496169 (cited by 4 submitters); PubMed 23062701 (cited by 3 submitters); PubMed 23280792 (cited by Clinical Omics and Informatics (COIN) Unit, Neuroscience Institute, University Of Cape Town and Labcorp Genetics (formerly Invitae), Labcorp); PubMed 9029070 (cited by 3 submitters); PubMed 27978769 (cited by Clinical Omics and Informatics (COIN) Unit, Neuroscience Institute, University Of Cape Town and Labcorp Genetics (formerly Invitae), Labcorp); PubMed 19483195 (cited by Labcorp Genetics (formerly Invitae), Labcorp and Athena Diagnostics); PubMed 16020530 (cited by Athena Diagnostics); PubMed 14506936 (cited by Athena Diagnostics); PubMed 13129804 (cited by Athena Diagnostics).

NM_000454.5(SOD1):c.434T>C (p.Leu145Ser)

Gene: SOD1 (superoxide dismutase 1; plus strand). Cytogenetic location: 21q22.11.
Variant type: single nucleotide variant.
Coding change: c.434T>C on transcript NM_000454.5 (MANE Select); coding-DNA position 434, T replaced by C.
Protein change: p.Leu145Ser; replaces leucine 145 with serine.
Molecular consequence: missense variant.
Genome position (GRCh38, 1-based): chr21:31,668,547, T>C. VCF-style: chr21-31668547-T-C. GRCh37 (hg19) VCF-style: chr21-33040860-T-C.
Other names: L144S; short protein forms L145S.
Identifiers: ClinVar variation 14768 (VCV000014768.49), dbSNP rs121912446, ClinGen allele CA257339.
Genomic context (GRCh38, chr21:31,668,547, plus strand): 5'-ATGACTTGGGCAAAGGTGGAAATGAAGAAAGTACAAAGACAGGAAACGCTGGAAGTCGTT[T>C]GGCTTGTGGTGTAATTGGGATCGCCCAATAAACATTCCCTTGGATGTAGTCTGAGGCCCC-3'
Protein context (NP_000445.1, residues 135-154): STKTGNAGSR[Leu145Ser]ACGVIGIAQ